The following is an entry in ClinVar:

ClinVar aggregate classification (germline): Uncertain significance (1 of 4 stars; one submission).

Conditions:
Ullrich congenital muscular dystrophy 1A. Also called: Intermediate COL6-RD; Ullrich congenital muscular dystrophy 1. Identifiers: Orphanet 75840, MedGen C0410179, MONDO:0009681, OMIM 254090.

Allele frequency attached by ClinVar (database versions not stated): gnomAD exomes below 0.00001; gnomAD 0.00001.

Submission:

Baylor Genetics
Classification: Uncertain significance for Ullrich congenital muscular dystrophy 1A. Last evaluated: 2019-08-08. Review status: criteria provided, single submitter. Criteria: ACMG Guidelines, 2015. Collection method: clinical testing. Allele origin: unknown. Affected: yes.
Comment: This variant was determined to be of uncertain significance according to ACMG Guidelines, 2015 [PMID:25741868].

NM_001848.3(COL6A1):c.3052C>T (p.His1018Tyr)

Gene: COL6A1 (collagen type VI alpha 1 chain; plus strand). Cytogenetic location: 21q22.3.
Variant type: single nucleotide variant.
Coding change: c.3052C>T on transcript NM_001848.3 (MANE Select); coding-DNA position 3052, C replaced by T.
Protein change: p.His1018Tyr; replaces histidine 1018 with tyrosine.
Molecular consequence: missense variant.
Genome position (GRCh38, 1-based): chr21:46,003,978, C>T. VCF-style: chr21-46003978-C-T. GRCh37 (hg19) VCF-style: chr21-47423892-C-T.
Other names: short protein forms H1018Y.
Identifiers: ClinVar variation 1027970 (VCV001027970.1), dbSNP rs2077865867, ClinGen allele CA410542084.